The following is an entry in ClinVar:

NM_004373.4(COX6A1):c.125C>T (p.Thr42Ile)

Gene: COX6A1 (cytochrome c oxidase subunit 6A1; plus strand). Cytogenetic location: 12q24.31.
Variant type: single nucleotide variant.
Coding change: c.125C>T on transcript NM_004373.4 (MANE Select); coding-DNA position 125, C replaced by T.
Protein change: p.Thr42Ile; replaces threonine 42 with isoleucine.
Molecular consequence: missense variant.
Genome position (GRCh38, 1-based): chr12:120,438,400, C>T. VCF-style: chr12-120438400-C-T. GRCh37 (hg19) VCF-style: chr12-120876203-C-T.
Other names: c.125C>T (NM_004373.2); short protein forms T42I.
Identifiers: ClinVar variation 1430004 (VCV001430004.7), dbSNP rs148139529, ClinGen allele CA6828009.

ClinVar aggregate classification (germline): Uncertain significance. Review status: criteria provided, multiple submitters, no conflicts (2 of 4 stars). 3 submissions from 3 submitters: Uncertain significance (3). Last evaluated 2025-05-25.

Allele frequency attached by ClinVar (database versions not stated): gnomAD 0.00006 and 0.00005; ESP Exome Variant Server 0.00008; TOPMed 0.00009.

Submissions (3):

Ambry Genetics
Classification: Uncertain significance. Last evaluated: 2025-05-25. Review status: criteria provided, single submitter. Criteria: Ambry Variant Classification Scheme 2023. Collection method: clinical testing. Allele origin: germline.

Labcorp Genetics (formerly Invitae), Labcorp
Classification: Uncertain significance. Last evaluated: 2023-12-06. Review status: criteria provided, single submitter. Criteria: Invitae Variant Classification Sherloc (09022015). Collection method: clinical testing. Allele origin: germline.
Comment: This sequence change replaces threonine, which is neutral and polar, with isoleucine, which is neutral and non-polar, at codon 42 of the COX6A1 protein (p.Thr42Ile). This variant is present in population databases (rs148139529, gnomAD 0.04%). This variant has not been reported in the literature in individuals affected with COX6A1-related conditions. ClinVar contains an entry for this variant (Variation ID: 1430004). An algorithm developed to predict the effect of missense changes on protein structure and function (PolyPhen-2) suggests that this variant is likely to be disruptive. In summary, the available evidence is currently insufficient to determine the role of this variant in disease. Therefore, it has been classified as a Variant of Uncertain Significance.

Laboratorio de Genetica e Diagnostico Molecular, Hospital Israelita Albert Einstein
Classification: Uncertain significance. Last evaluated: 2021-08-17. Review status: criteria provided, single submitter. Criteria: ACMG Guidelines, 2015. Collection method: clinical testing. Allele origin: germline. Affected: yes.
Comment: ACMG classification criteria: BP4